The following is an entry in ClinVar:

ClinVar aggregate classification (germline): Conflicting classifications of pathogenicity. Review status: criteria provided, conflicting classifications (1 of 4 stars). 2 submissions from 2 submitters: Uncertain significance (1); Benign (1). Last evaluated 2025-08-21.

Conditions:
Aortic valve disorder (AOVD1). Also called: AORTIC VALVE DISEASE. Identifiers: MedGen C1260873, MONDO:0003803.
Adams-Oliver syndrome 5 (AOS5). Identifiers: Orphanet 974, MedGen C4014970, MONDO:0014459, OMIM 616028.

Allele frequency attached by ClinVar (database versions not stated): gnomAD 0.00001; gnomAD exomes 0.00001 and 0.00002; TOPMed 0.00002; ExAC 0.00004.
gnomAD v4.1: 21 of 1,605,518 alleles (0.0013%); highest among the groups gnomAD compares: African/African-American, 0.0067%; no homozygotes.

Submissions (2):

Labcorp Genetics (formerly Invitae), Labcorp
Classification: Benign for Adams-Oliver syndrome 5. Last evaluated: 2025-08-21. Review status: criteria provided, single submitter. Criteria: Invitae Variant Classification Sherloc (09022015). Collection method: clinical testing. Allele origin: germline.

Mayo Clinic Laboratories, Mayo Clinic
Classification: Uncertain significance. Last evaluated: 2025-01-10. Review status: criteria provided, single submitter. Criteria: ACMG Guidelines, 2015. Collection method: clinical testing. Allele origin: germline. Observed: 1 variant allele.
Comment: BP4, PM2_supporting

NM_017617.5(NOTCH1):c.2735G>A (p.Arg912Gln)

Gene: NOTCH1 (notch receptor 1; minus strand). Cytogenetic location: 9q34.3.
Variant type: single nucleotide variant.
Coding change: c.2735G>A on transcript NM_017617.5 (MANE Select); coding-DNA position 2735, G replaced by A.
Protein change: p.Arg912Gln; replaces arginine 912 with glutamine.
Molecular consequence: missense variant.
Genome position (GRCh38, 1-based): chr9:136,510,658, C>T on the plus strand (G>A on the coding strand, the complement: NOTCH1 is on the minus strand). VCF-style: chr9-136510658-C-T. GRCh37 (hg19) VCF-style: chr9-139405110-C-T.
Other names: p.Arg912Gln; short protein forms R912Q.
Identifiers: ClinVar variation 864459 (VCV000864459.12), dbSNP rs773185855, ClinGen allele CA5341188.